The following is an entry in ClinVar:

NM_006363.6(SEC23B):c.222-78C>T

Gene: SEC23B (SEC23 homolog B, COPII component; plus strand). Cytogenetic location: 20p11.23.
Variant type: single nucleotide variant.
Coding change: c.222-78C>T on transcript NM_006363.6 (MANE Select); 78 bases into the intron before coding-DNA position 222, C replaced by T.
Molecular consequence: intron variant.
Genome position (GRCh38, 1-based): chr20:18,512,147, C>T. VCF-style: chr20-18512147-C-T. GRCh37 (hg19) VCF-style: chr20-18492791-C-T.
Other names: c.222-78C>T (NM_001172746.3, NM_032986.5, NM_001172745.3 and 1 more transcripts).
Identifiers: ClinVar variation 1032438 (VCV001032438.4), dbSNP rs150393520, ClinGen allele CA312389718.

ClinVar aggregate classification (germline): Uncertain significance. Review status: criteria provided, multiple submitters, no conflicts (2 of 4 stars). 3 submissions from 3 submitters: Uncertain significance (2). 1 of the submissions does not count toward it. Last evaluated 2024-10-08.

Conditions:
Cowden syndrome 7 (CWS7). Identifiers: Orphanet 201, MedGen C4225179, MONDO:0014802, OMIM 616858.
SEC23B-related disorder. Also called: SEC23B-related condition; SEC23B-related disorders.

Allele frequency attached by ClinVar (database versions not stated): gnomAD 0.00023 and 0.00026; TOPMed 0.00039; 1000 Genomes Project 0.00040; 1000 Genomes Project 30x 0.00047.
gnomAD v4.1: 131 of 871,102 alleles (0.015%); highest among the groups gnomAD compares: Middle Eastern, 0.07%; 1 homozygote.

Submissions (3):

Blueprint Genetics
Classification: Uncertain significance. Last evaluated: 2024-10-08. Review status: criteria provided, single submitter. Criteria: ACMG Guidelines, 2015. Collection method: clinical testing. Allele origin: germline.

Baylor Genetics
Classification: Uncertain significance for Cowden syndrome 7. Last evaluated: 2018-02-05. Review status: criteria provided, single submitter. Criteria: ACMG Guidelines, 2015. Collection method: clinical testing. Allele origin: maternal. Affected: yes.
Comment: This variant was determined to be of uncertain significance according to ACMG Guidelines, 2015 [PMID:25741868].

PreventionGenetics, part of Exact Sciences
Classification: Likely benign for SEC23B-related condition. Last evaluated: 2019-10-22. Review status: no assertion criteria provided. Collection method: clinical testing. Allele origin: germline. Not counted in ClinVar's aggregate classification.
Comment: This variant is classified as likely benign based on ACMG/AMP sequence variant interpretation guidelines (Richards et al. 2015 PMID: 25741868, with internal and published modifications).